The following is an entry in ClinVar:

ClinVar aggregate classification (germline): Likely pathogenic (1 of 4 stars; one submission).

Conditions:
Mitochondrial DNA depletion syndrome 1. Also called: Mitochondrial Neurogastrointestinal Encephalopathy Disease; Mitochondrial neurogastrointestinal encephalomyopathy syndrome; MITOCHONDRIAL NEUROGASTROINTESTINAL ENCEPHALOPATHY SYNDROME, TYMP-RELATED; MNGIE, TYMP-RELATED; Mitochondrial DNA Depletion Syndrome, MNGIE Form; POLIP SYNDROME. Identifiers: Orphanet 298, MedGen C4551995, MONDO:0011283, OMIM 603041.

Submission:

Women's Health and Genetics/Laboratory Corporation of America, LabCorp
Classification: Likely pathogenic for Mitochondrial DNA depletion syndrome 1. Last evaluated: 2022-07-13. Review status: criteria provided, single submitter. Criteria: LabCorp Variant Classification Summary - May 2015. Collection method: clinical testing. Allele origin: germline.
Comment: Variant summary: TYMP c.829dupC (p.Leu277ProfsX213+) causes a frameshift which alters the last 3 exons and results in an extension of the protein. The variant was absent in 146814 control chromosomes (gnomAD). To our knowledge, no occurrence of c.829dupC in individuals affected with Mitochondrial DNA Depletion Syndrome 1 and no experimental evidence demonstrating its impact on protein function have been reported. No clinical diagnostic laboratories have submitted clinical-significance assessments for this variant to ClinVar after 2014. Based on the evidence outlined above, the variant was classified as likely pathogenic.

NM_001953.5(TYMP):c.829dup (p.Leu277fs)

Gene: TYMP (thymidine phosphorylase; minus strand). Cytogenetic location: 22q13.33.
Variant type: Duplication.
Coding change: c.829dup on transcript NM_001953.5 (MANE Select); coding-DNA position 829, one base duplicated (C; older notation c.829dupC).
Protein change: p.Leu277fs; shifts the reading frame from leucine 277.
Molecular consequence: frameshift variant.
Genome position (GRCh38, 1-based): chr22:50,526,675, G duplicated on the plus strand (C on the coding strand, the reverse complement: TYMP is on the minus strand); the first of 4 consecutive G bases (chr22:50,526,675-50,526,678); duplicating any one gives the same sequence. VCF-style (leftmost placement, unchanged base first): chr22-50526674-A-AG. GRCh37 (hg19) VCF-style: chr22-50965103-A-AG.
Other names: c.829dup, p.Leu277fs (NM_001113755.3, NM_001113756.3, NM_001257988.1 and 1 more transcripts); short protein forms L277fs.
Identifiers: ClinVar variation 1704528 (VCV001704528.1), dbSNP rs2522519519, ClinGen allele CA2580100002.
Genomic context (GRCh38, chr22:50,526,674, plus strand): 5'-GCGCCGTCCATGCAGAGCAGCGCCTCCTCCACCTCCAGGGCGTGGCCCACGCAGCGACCC[A>AG]GGGGCTTGTCCATGGCGGTCAGCGCTGCCGCGACCCGAAGCCCTAGGCTGGCTCCCACGC-3'